The following is an entry in ClinVar:

ClinVar aggregate classification (germline): Pathogenic (1 of 4 stars; one submission).

Conditions:
Cardiovascular phenotype. Identifiers: MedGen CN230736.
Hereditary cancer-predisposing syndrome. Also called: Neoplastic Syndromes, Hereditary; Tumor predisposition; Hereditary Cancer Syndrome; Hereditary neoplastic syndrome. Identifiers: Orphanet 140162, MedGen C0027672, MeSH D009386, MONDO:0015356.

Submission:

Ambry Genetics
Classification: Pathogenic for Cardiovascular phenotype; Hereditary cancer-predisposing syndrome. Last evaluated: 2025-11-10. Review status: criteria provided, single submitter. Criteria: Ambry Variant Classification Scheme 2023. Collection method: clinical testing. Allele origin: germline.
Comment: The c.2254A>T (p.R752*) alteration, located in exon 19 (coding exon 19) of the NF1 gene, consists of an A to T substitution at nucleotide position 2254. This changes the amino acid from a arginine (R) to a stop codon at amino acid position 752. This alteration is expected to result in loss of function by premature protein truncation or nonsense-mediated mRNA decay. This variant was not reported in population-based cohorts in the Genome Aggregation Database (gnomAD). Based on the available evidence, this alteration is classified as pathogenic.

NM_001042492.3(NF1):c.2254A>T (p.Arg752Ter)

Gene: NF1 (neurofibromin 1; plus strand). Cytogenetic location: 17q11.2.
Variant type: single nucleotide variant.
Coding change: c.2254A>T on transcript NM_001042492.3 (MANE Select); coding-DNA position 2254, A replaced by T.
Protein change: p.Arg752Ter; replaces arginine 752 with a stop codon.
Molecular consequence: nonsense.
Genome position (GRCh38, 1-based): chr17:31,227,220, A>T. VCF-style: chr17-31227220-A-T. GRCh37 (hg19) VCF-style: chr17-29554238-A-T.
Other names: c.2254A>T, p.Arg752Ter (NM_000267.4); short protein forms R752*.
Identifiers: ClinVar variation 4615836 (VCV004615836.1).